The following is an entry in ClinVar:

ClinVar aggregate classification (germline): Uncertain significance (1 of 4 stars; one submission).

Conditions:
Hawkinsinuria. Identifiers: Orphanet 2118, MedGen C2931042, MONDO:0007700, OMIM 140350, HP:0034457.
Tyrosinemia type III. Also called: Tyrosinemia type 3; 4-alpha hydroxyphenylpyruvic acid oxidase deficiency; 4-alpha hydroxyphenylpyruvate dioxygenase deficiency; 4-Hydroxyphenylpyruvate dioxygenase deficiency; 4-HYDROXYPHENYLPYRUVIC ACID OXIDASE DEFICIENCY. Identifiers: Orphanet 69723, MedGen C0268623, MONDO:0010162, OMIM 276710.

Submission:

Labcorp Genetics (formerly Invitae), Labcorp
Classification: Uncertain significance for Tyrosinemia type III; Hawkinsinuria. Last evaluated: 2017-11-06. Review status: criteria provided, single submitter. Criteria: Invitae Variant Classification Sherloc (09022015). Collection method: clinical testing. Allele origin: germline.
Comment: In summary, the available evidence is currently insufficient to determine the role of this variant in disease. Therefore, it has been classified as a Variant of Uncertain Significance. Algorithms developed to predict the effect of missense changes on protein structure and function do not agree on the potential impact of this missense change (SIFT: "Deleterious"; PolyPhen-2: "Possibly Damaging"; Align-GVGD: "Class C0"). This variant has not been reported in the literature in individuals with HPD-related disease. This variant is not present in population databases (ExAC no frequency). This sequence change replaces cysteine with arginine at codon 37 of the HPD protein (p.Cys37Arg). The cysteine residue is highly conserved and there is a large physicochemical difference between cysteine and arginine.

NM_002150.3(HPD):c.109T>C (p.Cys37Arg)

Genes: HPD (4-hydroxyphenylpyruvate dioxygenase; minus strand), TIALD (transcript inducer of AURKA lysosomal degradation; plus strand). Cytogenetic location: 12q24.31.
Variant type: single nucleotide variant.
Coding change: c.109T>C on transcript NM_002150.3 (MANE Select); coding-DNA position 109, T replaced by C.
Protein change: p.Cys37Arg; replaces cysteine 37 with arginine.
Molecular consequence: missense variant. On other transcripts: 5 prime UTR variant (1).
Genome position (GRCh38, 1-based): chr12:121,857,417, A>G on the plus strand (T>C on the coding strand, the complement: HPD is on the minus strand). VCF-style: chr12-121857417-A-G. GRCh37 (hg19) VCF-style: chr12-122295323-A-G.
Other names: c.-9T>C (NM_001171993.2); short protein forms C37R.
Identifiers: ClinVar variation 529467 (VCV000529467.7), dbSNP rs1246785384, ClinGen allele CA387002437.